The following is an entry in ClinVar:

ClinVar aggregate classification (germline): Uncertain significance (1 of 4 stars; one submission).

Allele frequency attached by ClinVar (database versions not stated): gnomAD 0.00001.
gnomAD v4.1: 2 of 1,613,428 alleles (0.00012%); highest among the groups gnomAD compares: African/African-American, 0.0027%; no homozygotes.

Submission:

Labcorp Genetics (formerly Invitae), Labcorp
Classification: Uncertain significance. Last evaluated: 2024-02-23. Review status: criteria provided, single submitter. Criteria: Invitae Variant Classification Sherloc (09022015). Collection method: clinical testing. Allele origin: germline.
Comment: This sequence change replaces threonine, which is neutral and polar, with lysine, which is basic and polar, at codon 1291 of the CACNA1D protein (p.Thr1291Lys). This variant is not present in population databases (gnomAD no frequency). This variant has not been reported in the literature in individuals affected with CACNA1D-related conditions. ClinVar contains an entry for this variant (Variation ID: 1377633). Advanced modeling of protein sequence and biophysical properties (such as structural, functional, and spatial information, amino acid conservation, physicochemical variation, residue mobility, and thermodynamic stability) performed at Invitae indicates that this missense variant is not expected to disrupt CACNA1D protein function with a negative predictive value of 80%. In summary, the available evidence is currently insufficient to determine the role of this variant in disease. Therefore, it has been classified as a Variant of Uncertain Significance.

NM_001128840.3(CACNA1D):c.3812C>A (p.Thr1271Lys)

Gene: CACNA1D (calcium voltage-gated channel subunit alpha1 D; plus strand). Cytogenetic location: 3p21.1.
Variant type: single nucleotide variant.
Coding change: c.3812C>A on transcript NM_001128840.3 (MANE Select); coding-DNA position 3812, C replaced by A.
Protein change: p.Thr1271Lys; replaces threonine 1271 with lysine.
Molecular consequence: missense variant.
Genome position (GRCh38, 1-based): chr3:53,762,023, C>A. VCF-style: chr3-53762023-C-A. GRCh37 (hg19) VCF-style: chr3-53796050-C-A.
Other names: c.3872C>A, p.Thr1291Lys (NM_000720.4); c.3812C>A, p.Thr1271Lys (NM_001128839.3); short protein forms T1291K, T1271K.
Identifiers: ClinVar variation 1377633 (VCV001377633.6), dbSNP rs1340795572, ClinGen allele CA353254263.